The following is an entry in ClinVar:

ClinVar aggregate classification (germline): Uncertain significance. Review status: criteria provided, multiple submitters, no conflicts (2 of 4 stars). 4 submissions from 4 submitters: Uncertain significance (4). Last evaluated 2024-11-19.

Conditions:
Ataxia-telangiectasia syndrome (AT). Also called: Ataxia-telangiectasia, complementation group D; AT, COMPLEMENTATION GROUP C; Cerebello-oculocutaneous telangiectasia; Immunodeficiency with ataxia telangiectasia; LOUIS-BAR SYNDROME; Ataxia telangiectasia (A-T). Identifiers: Orphanet 100, MedGen C0004135, MONDO:0008840, OMIM 208900.
Hereditary cancer-predisposing syndrome. Also called: Hereditary neoplastic syndrome; Neoplastic Syndromes, Hereditary; Hereditary Cancer Syndrome; Tumor predisposition. Identifiers: Orphanet 140162, MedGen C0027672, MeSH D009386, MONDO:0015356.

Submissions (4):

Blueprint Genetics
Classification: Uncertain significance. Last evaluated: 2024-11-19. Review status: criteria provided, single submitter. Criteria: ACMG Guidelines, 2015. Collection method: clinical testing. Allele origin: germline.

Women's Health and Genetics/Laboratory Corporation of America, LabCorp
Classification: Uncertain significance. Last evaluated: 2023-02-13. Review status: criteria provided, single submitter. Criteria: LabCorp Variant Classification Summary - May 2015. Collection method: clinical testing. Allele origin: germline.

Ambry Genetics
Classification: Uncertain significance for Hereditary cancer-predisposing syndrome. Last evaluated: 2022-05-25. Review status: criteria provided, single submitter. Criteria: Ambry Variant Classification Scheme 2023. Collection method: clinical testing. Allele origin: germline.
Comment: The p.C907Y variant (also known as c.2720G>A), located in coding exon 17 of the ATM gene, results from a G to A substitution at nucleotide position 2720. The cysteine at codon 907 is replaced by tyrosine, an amino acid with highly dissimilar properties. This amino acid position is well conserved in available vertebrate species. In addition, the in silico prediction for this alteration is inconclusive. Since supporting evidence is limited at this time, the clinical significance of this alteration remains unclear.

Labcorp Genetics (formerly Invitae), Labcorp
Classification: Uncertain significance for Ataxia-telangiectasia syndrome. Last evaluated: 2021-08-28. Review status: criteria provided, single submitter. Criteria: Invitae Variant Classification Sherloc (09022015). Collection method: clinical testing. Allele origin: germline.
Comment: This sequence change replaces cysteine with tyrosine at codon 907 of the ATM protein (p.Cys907Tyr). The cysteine residue is highly conserved and there is a large physicochemical difference between cysteine and tyrosine. This variant is present in population databases (rs775371838, ExAC 0.006%). This variant has not been reported in the literature in individuals affected with ATM-related conditions. Algorithms developed to predict the effect of missense changes on protein structure and function are either unavailable or do not agree on the potential impact of this missense change (SIFT: "Deleterious"; PolyPhen-2: "Possibly Damaging"; Align-GVGD: "Class C15"). In summary, the available evidence is currently insufficient to determine the role of this variant in disease. Therefore, it has been classified as a Variant of Uncertain Significance.

NM_000051.4(ATM):c.2720G>A (p.Cys907Tyr)

Gene: ATM (ATM serine/threonine kinase; plus strand). Cytogenetic location: 11q22.3.
Variant type: single nucleotide variant.
Coding change: c.2720G>A on transcript NM_000051.4 (MANE Select); coding-DNA position 2720, G replaced by A.
Protein change: p.Cys907Tyr; replaces cysteine 907 with tyrosine.
Molecular consequence: missense variant.
Genome position (GRCh38, 1-based): chr11:108,268,491, G>A. VCF-style: chr11-108268491-G-A. GRCh37 (hg19) VCF-style: chr11-108139218-G-A.
Other names: c.2720G>A, p.Cys907Tyr (NM_001351834.2); short protein forms C907Y.
Identifiers: ClinVar variation 579274 (VCV000579274.9), dbSNP rs775371838, ClinGen allele CA6265102.